The following is an entry in ClinVar:

ClinVar aggregate classification (germline): Likely pathogenic (1 of 4 stars; one submission).

Conditions:
Charlevoix-Saguenay spastic ataxia (SACS). Also called: AUTOSOMAL RECESSIVE SPASTIC ATAXIA OF CHARLEVOIX-SAGUENAY; Spastic ataxia of Charlevoix-Saguenay; SPASTIC ATAXIA 6, AUTOSOMAL RECESSIVE. Identifiers: Orphanet 98, MedGen C1849140, MONDO:0010041, OMIM 270550.

gnomAD v4.1: 1 of 1,613,792 alleles (0.000062%); highest among the groups gnomAD compares: Non-Finnish European, 0.000085%; no homozygotes.

Submission:

PROSPAX: an integrated multimodal progression  chart in spastic ataxias, Center for Neurology; Hertie-Institute for Clinical Brain Research
Classification: Likely pathogenic for Charlevoix-Saguenay spastic ataxia. Last evaluated: 2022-01-01. Review status: criteria provided, single submitter. Criteria: ACMG Guidelines, 2015. Collection method: research. Allele origin: germline. Affected: yes.
Comment: Variant seen in compound het: [c.3769G>T;c.8584A>T]

NM_014363.6(SACS):c.3769G>T (p.Gly1257Ter)

Gene: SACS (sacsin molecular chaperone; minus strand). Cytogenetic location: 13q12.12.
Variant type: single nucleotide variant.
Coding change: c.3769G>T on transcript NM_014363.6 (MANE Select); coding-DNA position 3769, G replaced by T.
Protein change: p.Gly1257Ter; replaces glycine 1257 with a stop codon.
Molecular consequence: nonsense.
Genome position (GRCh38, 1-based): chr13:23,340,107, C>A on the plus strand (G>T on the coding strand, the complement: SACS is on the minus strand). VCF-style: chr13-23340107-C-A. GRCh37 (hg19) VCF-style: chr13-23914246-C-A.
Other names: c.3328G>T, p.Gly1110Ter (NM_001278055.2); short protein forms G1110*, G1257*.
Identifiers: ClinVar variation 3242463 (VCV003242463.1).